The following is an entry in ClinVar:

NM_003072.5(SMARCA4):c.3827C>T (p.Pro1276Leu)

Gene: SMARCA4 (SWI/SNF related BAF chromatin remodeling complex subunit ATPase 4; plus strand). Cytogenetic location: 19p13.2.
Variant type: single nucleotide variant.
Coding change: c.3827C>T on transcript NM_003072.5 (MANE Select); coding-DNA position 3827, C replaced by T.
Protein change: p.Pro1276Leu; replaces proline 1276 with leucine.
Molecular consequence: missense variant. On other transcripts: intron variant (5).
Genome position (GRCh38, 1-based): chr19:11,033,819, C>T. VCF-style: chr19-11033819-C-T. GRCh37 (hg19) VCF-style: chr19-11144495-C-T.
Other names: c.3827C>T, p.Pro1276Leu (NM_001128844.3, NM_001128849.3, NM_001387283.1); c.3774+302C>T (NM_001128847.4, NM_001374457.1, NM_001128845.2 and 2 more transcripts); short protein forms P1276L.
Identifiers: ClinVar variation 1735308 (VCV001735308.2), dbSNP rs2075090923, ClinGen allele CA404066648.

ClinVar aggregate classification (germline): Uncertain significance (1 of 4 stars; one submission).

Conditions:
Hereditary cancer-predisposing syndrome. Also called: Neoplastic Syndromes, Hereditary; Tumor predisposition; Hereditary Cancer Syndrome; Hereditary neoplastic syndrome. Identifiers: Orphanet 140162, MedGen C0027672, MeSH D009386, MONDO:0015356.

gnomAD v4.1: 1 of 779,808 alleles (0.00013%); highest among the groups gnomAD compares: African/African-American, 0.0017%; no homozygotes.

Submission:

Ambry Genetics
Classification: Uncertain significance for Hereditary cancer-predisposing syndrome. Last evaluated: 2021-05-25. Review status: criteria provided, single submitter. Criteria: Ambry Variant Classification Scheme 2023. Collection method: clinical testing. Allele origin: germline.
Comment: The p.P1276L variant (also known as c.3827C>T), located in coding exon 26 of the SMARCA4 gene, results from a C to T substitution at nucleotide position 3827. The proline at codon 1276 is replaced by leucine, an amino acid with similar properties. Missense and in-frame variants in SMARCA4 are known to cause neurodevelopmental disorders; however, such associations with rhabdoid tumor predisposition syndrome including small cell carcinoma of the ovary-hypercalcemic type (SCCOHT) are exceedingly rare (Kosho T et al. Am J Med Genet C Semin Med Genet. 2014 Sep;166C(3):262-75; Jelinic P et al. Nat Genet. 2014 May;46(5):424-6). This amino acid position is highly conserved in available vertebrate species. In addition, the in silico prediction for this alteration is inconclusive. Based on the supporting evidence, the association of this alteration with Coffin-Siris syndrome is unknown; however, the association of this alteration with rhabdoid tumor predisposition syndrome is unlikely.